The following is an entry in ClinVar:

ClinVar aggregate classification (germline): Pathogenic (1 of 4 stars; one submission).

Conditions:
Intellectual developmental disorder, autosomal dominant 1. Also called: MBD5 Haploinsufficiency; Intellectual disability, autosomal dominant 1. Identifiers: Orphanet 228402, MedGen C1969562, MONDO:0007974, OMIM 156200.

Submission:

Labcorp Genetics (formerly Invitae), Labcorp
Classification: Pathogenic for Intellectual developmental disorder, autosomal dominant 1. Last evaluated: 2025-02-12. Review status: criteria provided, single submitter. Criteria: Invitae Variant Classification Sherloc (09022015). Collection method: clinical testing. Allele origin: germline.
Comment: This sequence change creates a premature translational stop signal (p.Pro542Leufs*10) in the MBD5 gene. It is expected to result in an absent or disrupted protein product. Loss-of-function variants in MBD5 are known to be pathogenic (PMID: 23422940, 23587880). This variant is not present in population databases (gnomAD no frequency). This variant has not been reported in the literature in individuals affected with MBD5-related conditions. For these reasons, this variant has been classified as Pathogenic.

Literature cited by the submitters: PubMed 23422940; PubMed 23587880.

NM_001378120.1(MBD5):c.1625del (p.Pro542fs)

Gene: MBD5 (methyl-CpG binding domain protein 5; plus strand). Cytogenetic location: 2q23.1.
Variant type: Deletion.
Coding change: c.1625del on transcript NM_001378120.1 (MANE Select); coding-DNA position 1625, one base deleted (C; older notation c.1625delC).
Protein change: p.Pro542fs; shifts the reading frame from proline 542.
Molecular consequence: frameshift variant.
Genome position (GRCh38, 1-based): chr2:148,469,568, C deleted; the last of 2 consecutive C bases (chr2:148,469,567-148,469,568); deleting either gives the same sequence. VCF-style (leftmost placement, unchanged base first): chr2-148469566-TC-T. GRCh37 (hg19) VCF-style: chr2-149227135-TC-T.
Other names: c.1625del, p.Pro542fs (NM_001438854.1, NM_001438855.1, NM_001438856.1 and 7 more transcripts); short protein forms P542fs.
Identifiers: ClinVar variation 4712896 (VCV004712896.1).
Genomic context (GRCh38, chr2:148,469,566, plus strand): 5'-CCCTAACCCATTAATTGCTGGAATAAGTAATGTACTAAATACCCCAAGCAGTGCAGCTTT[TC>T]CTACTGCATCTGCCGGAAGTAGTTCTGTAAAGAGTCAGCCTGGTTTGCTGGGAATGCCTT-3'